The following is an entry in ClinVar:

ClinVar aggregate classification (germline): Benign (1 of 4 stars; one submission).

Allele frequency attached by ClinVar (database versions not stated): gnomAD 0.08058 and 0.08254; TOPMed 0.08257; 1000 Genomes Project 30x 0.09635; 1000 Genomes Project 0.10104.

Submission:

GeneDx
Classification: Benign. Last evaluated: 2018-06-19. Review status: criteria provided, single submitter. Criteria: GeneDx Variant Classification (06012015). Collection method: clinical testing. Allele origin: germline. Affected: yes.
Comment: This variant is considered likely benign or benign based on one or more of the following criteria: it is a conservative change, it occurs at a poorly conserved position in the protein, it is predicted to be benign by multiple in silico algorithms, and/or has population frequency not consistent with disease.

NM_005476.7(GNE):c.1633+237C>T

Gene: GNE (glucosamine (UDP-N-acetyl)-2-epimerase/N-acetylmannosamine kinase; minus strand). Cytogenetic location: 9p13.3.
Variant type: single nucleotide variant.
Coding change: c.1633+237C>T on transcript NM_005476.7 (MANE Select); 237 bases into the intron after coding-DNA position 1633, C replaced by T.
Molecular consequence: intron variant.
Genome position (GRCh38, 1-based): chr9:36,222,540, G>A on the plus strand (C>T on the coding strand, the complement: GNE is on the minus strand). VCF-style: chr9-36222540-G-A. GRCh37 (hg19) VCF-style: chr9-36222537-G-A.
Other names: c.1456+237C>T (NM_001190388.2, NM_001374798.1); c.1726+237C>T (NM_001128227.3); c.1303+237C>T (NM_001190384.3); c.1480+237C>T (NM_001374797.1); c.1411+833C>T (NM_001190383.3).
Identifiers: ClinVar variation 670399 (VCV000670399.1), dbSNP rs11793464, ClinGen allele CA192843235.